The following is an entry in ClinVar:

NM_015335.5(MED13L):c.395+1G>A

Gene: MED13L (mediator complex subunit 13L; minus strand). Cytogenetic location: 12q24.21.
Variant type: single nucleotide variant.
Coding change: c.395+1G>A on transcript NM_015335.5 (MANE Select); the canonical splice donor site of the intron after coding-DNA position 395, G replaced by A.
Molecular consequence: splice donor variant.
Genome position (GRCh38, 1-based): chr12:116,111,427, C>T on the plus strand (G>A on the coding strand, the complement: MED13L is on the minus strand). VCF-style: chr12-116111427-C-T. GRCh37 (hg19) VCF-style: chr12-116549232-C-T.
Identifiers: ClinVar variation 978841 (VCV000978841.3), dbSNP rs1874072309, ClinGen allele CA386926981.

ClinVar aggregate classification (germline): Pathogenic/Likely pathogenic. Review status: criteria provided, multiple submitters, no conflicts (2 of 4 stars). 2 submissions from 2 submitters: Pathogenic (1); Likely pathogenic (1). Last evaluated 2021-10-02.

Conditions:
Intellectual disability. Also called: intellectual disabilities; Intellectual developmental disorder; Intellectual functioning disability. Identifiers: MedGen C3714756, MeSH D008607, MONDO:0001071, HP:0001249.
Cardiac anomalies - developmental delay - facial dysmorphism syndrome (MRFACD). Also called: MED13L Syndrome; Impaired intellectual development and distinctive facial features with or without cardiac defects. Identifiers: Orphanet 369891, MedGen C5192431, MONDO:0014773, OMIM 616789.

Submissions (2):

3billion
Classification: Pathogenic for Cardiac anomalies - developmental delay - facial dysmorphism syndrome. Last evaluated: 2021-10-02. Review status: criteria provided, single submitter. Criteria: ACMG Guidelines, 2015. Collection method: clinical testing. Allele origin: unknown. Affected: yes. Observed: 1 heterozygote.
Comment: Canonical splice site: predicted to alter splicing and result in a loss or disruption of normal protein function through nonsense-mediated decay (NMD) or protein truncation. Multiple pathogenic variants are reported downstream of the variant (PVS1_VS). It is not observed in the gnomAD v2.1.1 dataset (PM2). The variant has been reported as pathogenic (ClinVar ID: VCV000978841.1). Therefore, this variant is classified as pathogenic according to the recommendation of ACMG/AMP guideline.

Diagnostic Laboratory, Strasbourg University Hospital
Classification: Likely pathogenic for Intellectual disability. Last evaluated: 2020-04-20. Review status: criteria provided, single submitter. Criteria: ACMG Guidelines, 2015. Collection method: clinical testing. Allele origin: de novo. Inheritance: Autosomal dominant inheritance. Affected: yes. Observed: 1 heterozygote.